The following is an entry in ClinVar:

NM_020247.5(COQ8A):c.1012G>A (p.Ala338Thr)

Gene: COQ8A (coenzyme Q8A; plus strand). Cytogenetic location: 1q42.13.
Variant type: single nucleotide variant.
Coding change: c.1012G>A on transcript NM_020247.5 (MANE Select); coding-DNA position 1012, G replaced by A.
Protein change: p.Ala338Thr; replaces alanine 338 with threonine.
Molecular consequence: missense variant.
Genome position (GRCh38, 1-based): chr1:226,982,966, G>A. VCF-style: chr1-226982966-G-A. GRCh37 (hg19) VCF-style: chr1-227170667-G-A.
Other names: short protein forms A338T.
Identifiers: ClinVar variation 2684186 (VCV002684186.1), dbSNP rs370159265, ClinGen allele CA1425267.

ClinVar aggregate classification (germline): Uncertain significance (1 of 4 stars; one submission).

Allele frequency attached by ClinVar (database versions not stated): TOPMed below 0.00001; ExAC 0.00003; ESP Exome Variant Server 0.00008.
gnomAD v4.1: 9 of 1,604,390 alleles (0.00056%); highest among the groups gnomAD compares: Middle Eastern, 0.017%; no homozygotes.

Submission:

Athena Diagnostics
Classification: Uncertain significance. Last evaluated: 2023-09-19. Review status: criteria provided, single submitter. Criteria: Athena Diagnostics Criteria. Collection method: clinical testing. Allele origin: unknown.
Comment: Available data are insufficient to determine the clinical significance of the variant at this time. The frequency of this variant in the general population is uninformative in assessment of its pathogenicity. This variant has been identified in at least one individual with clinical features associated with this gene. Computational tools predict that this variant is damaging.

Literature cited by the submitters: PubMed 32334381; PubMed 32337771.